The following is an entry in ClinVar:

ClinVar aggregate classification (germline): Uncertain significance. Review status: criteria provided, multiple submitters, no conflicts (2 of 4 stars). 4 submissions from 4 submitters: Uncertain significance (3). 1 of the submissions does not count toward it. Last evaluated 2026-04-14.

Conditions:
ABCB4-related disorder. Also called: ABCB4-related disorders; ABCB4-related condition.
Familial intrahepatic cholestasis. Identifiers: Orphanet 284385, MedGen CN296401, MONDO:0017290.

gnomAD v4.1: 8 of 1,613,998 alleles (0.0005%); highest among the groups gnomAD compares: South Asian, 0.0022%; no homozygotes.

Submissions (4):

Genomenon, Inc
Classification: Uncertain significance for Familial intrahepatic cholestasis. Last evaluated: 2026-04-14. Review status: criteria provided, single submitter. Criteria: Genomenon Sequence Variant Interpretation Standards - Updated. Collection method: curation. Allele origin: germline. Affected: yes.
Comment: ABCB4 p.Ala601Thr (c.1801G>A) is a missense variant that changes the amino acid at residue 601 from Alanine to Threonine. This variant has been observed in at least one proband with an ABCB4-related disorder (PMID:36550572). It is absent or not present at a significant frequency in gnomAD. In silico models predict that this variant is not damaging. In conclusion, we classify ABCB4 p.Ala601Thr (c.1801G>A) as a variant of uncertain significance.

Mayo Clinic Laboratories, Mayo Clinic
Classification: Uncertain significance. Last evaluated: 2025-08-08. Review status: criteria provided, single submitter. Criteria: ACMG Guidelines, 2015. Collection method: clinical testing. Allele origin: germline. Observed: 1 variant allele.
Comment: BP4, PM2_supporting

Blueprint Genetics
Classification: Uncertain significance. Last evaluated: 2024-02-21. Review status: criteria provided, single submitter. Criteria: ACMG Guidelines, 2015. Collection method: clinical testing. Allele origin: germline.

PreventionGenetics, part of Exact Sciences
Classification: Uncertain significance for ABCB4-related condition. Last evaluated: 2024-03-15. Review status: no assertion criteria provided. Collection method: clinical testing. Allele origin: germline. Not counted in ClinVar's aggregate classification.
Comment: The ABCB4 c.1801G>A variant is predicted to result in the amino acid substitution p.Ala601Thr. This variant in the compound heterozygous condition was reported in one individual  with progressive familial intrahepatic cholestasis type 3 (Chen. 2022. PubMed ID: 36550572). A different substitution affecting the same amino acid (p.Ala601Ser) was reported in the heterozygous condition in one individual with intrahepatic cholestasis of pregnancy (Dixon. 2017. PubMed ID: 28924228). This variant is reported in 0.0033% of alleles in individuals of South Asian descent in gnomAD. This variant could be pathogenic. At this time, the clinical significance of this variant is uncertain due to the absence of conclusive functional and genetic evidence.

Literature cited by the submitters: PubMed 36550572 (cited by Genomenon, Inc and Mayo Clinic Laboratories, Mayo Clinic); PubMed 28924228 (cited by Mayo Clinic Laboratories, Mayo Clinic).

NM_000443.4(ABCB4):c.1801G>A (p.Ala601Thr)

Gene: ABCB4 (ATP binding cassette subfamily B member 4; minus strand). Cytogenetic location: 7q21.12.
Variant type: single nucleotide variant.
Coding change: c.1801G>A on transcript NM_000443.4 (MANE Select); coding-DNA position 1801, G replaced by A.
Protein change: p.Ala601Thr; replaces alanine 601 with threonine.
Molecular consequence: missense variant.
Genome position (GRCh38, 1-based): chr7:87,431,496, C>T on the plus strand (G>A on the coding strand, the complement: ABCB4 is on the minus strand). VCF-style: chr7-87431496-C-T. GRCh37 (hg19) VCF-style: chr7-87060812-C-T.
Other names: p.Ala601Thr; c.1801G>A, p.Ala601Thr (NM_018849.3, NM_018850.3); short protein forms A601T.
Identifiers: ClinVar variation 3351703 (VCV003351703.4).